The following is an entry in ClinVar:

NM_024642.5(GALNT12):c.1707G>T (p.Ser569=)

Gene: GALNT12 (polypeptide N-acetylgalactosaminyltransferase 12; plus strand). Cytogenetic location: 9q22.33.
Variant type: single nucleotide variant.
Coding change: c.1707G>T on transcript NM_024642.5 (MANE Select); coding-DNA position 1707, G replaced by T.
Protein change: p.Ser569=; no amino-acid change (serine 569 retained).
Molecular consequence: synonymous variant.
Genome position (GRCh38, 1-based): chr9:98,849,053, G>T. VCF-style: chr9-98849053-G-T. GRCh37 (hg19) VCF-style: chr9-101611335-G-T.
Identifiers: ClinVar variation 1136948 (VCV001136948.12), dbSNP rs2273846, ClinGen allele CA466426209.

ClinVar aggregate classification (germline): Benign/Likely benign. Review status: criteria provided, multiple submitters, no conflicts (2 of 4 stars). 3 submissions from 3 submitters: Benign (1); Likely benign (2). Last evaluated 2026-04-28.

Conditions:
Colorectal cancer, susceptibility to, 1. Also called: COLORECTAL ADENOMA AND CANCER, SUSCEPTIBILITY TO; COLORECTAL CANCER, SUSCEPTIBILITY TO, ON CHROMOSOME 9. Identifiers: MedGen C1837315, MONDO:0012132, OMIM 608812.

Submissions (3):

Myriad Genetics, Inc.
Classification: Benign for Colorectal cancer, susceptibility to, 1. Last evaluated: 2026-04-28. Review status: criteria provided, single submitter. Criteria: Myriad Autosomal Dominant, Autosomal Recessive and X-Linked Classification Criteria (2023). Collection method: clinical testing. Allele origin: unknown.
Comment: This variant is considered benign. This variant is a silent/synonymous amino acid change and it is not expected to impact splicing.

Labcorp Genetics (formerly Invitae), Labcorp
Classification: Likely benign. Last evaluated: 2022-02-28. Review status: criteria provided, single submitter. Criteria: Invitae Variant Classification Sherloc (09022015). Collection method: clinical testing. Allele origin: germline.

Ambry Genetics
Classification: Likely benign. Last evaluated: 2020-10-12. Review status: criteria provided, single submitter. Criteria: Ambry Variant Classification Scheme 2023. Collection method: clinical testing. Allele origin: germline.